The following is an entry in ClinVar:

NM_001875.5(CPS1):c.2616C>A (p.Tyr872Ter)

Gene: CPS1 (carbamoyl-phosphate synthase 1; plus strand). Cytogenetic location: 2q34.
Variant type: single nucleotide variant.
Coding change: c.2616C>A on transcript NM_001875.5 (MANE Select); coding-DNA position 2616, C replaced by A.
Protein change: p.Tyr872Ter; replaces tyrosine 872 with a stop codon.
Molecular consequence: nonsense. On other transcripts: non-coding transcript variant (2).
Genome position (GRCh38, 1-based): chr2:210,616,470, C>A. VCF-style: chr2-210616470-C-A. GRCh37 (hg19) VCF-style: chr2-211481194-C-A.
Other names: c.2616C>A, p.Tyr872Ter (NM_001122633.3, NM_001369257.1); c.2649C>A, p.Tyr883Ter (NM_001369256.1); short protein forms Y872*, Y883*.
Identifiers: ClinVar variation 983626 (VCV000983626.3), dbSNP rs1699309581, ClinGen allele CA350441503.

ClinVar aggregate classification (germline): Likely pathogenic (1 of 4 stars; one submission).

Conditions:
Congenital hyperammonemia, type I. Also called: Carbamoyl phosphate synthetase I deficiency disease; Carbamoyl phosphate synthetase 1 deficiency; Hyperammonemia due to carbamoyl phosphate synthetase 1 deficiency; CPS 1 deficiency; Carbamyl phosphate synthetase (CPS) deficiency; Carbamoyl-phosphate synthase I deficiency. Identifiers: Orphanet 147, MedGen C4082171, MONDO:0009376, OMIM 237300.

Submission:

Myriad Genetics, Inc.
Classification: Likely pathogenic for Congenital hyperammonemia, type I. Last evaluated: 2019-09-29. Review status: criteria provided, single submitter. Criteria: Myriad Women's Health Autosomal Recessive and X-Linked Classification Criteria (2019). Collection method: clinical testing. Allele origin: unknown.
Comment: NM_001875.4(CPS1):c.2616C>A(Y872*) is expected to be pathogenic in the context of carbamoylphosphate synthetase I deficiency. This variant is predicted to lead to an abnormal or absent protein product due to the creation of a premature termination codon in CPS1, a gene where loss-of-function variants are known to be pathogenic. Please note: this variant was assessed in the context of healthy population screening.